The following is an entry in ClinVar:

ClinVar aggregate classification (germline): Conflicting classifications of pathogenicity. Review status: criteria provided, conflicting classifications (1 of 4 stars). 4 submissions from 4 submitters: Uncertain significance (3); Likely benign (1). Last evaluated 2025-06-17.

Conditions:
POLD1-related polyposis and colorectal cancer syndrome (CRCS10). Also called: Colorectal cancer 10; COLORECTAL CANCER, SUSCEPTIBILITY TO, ON CHROMOSOME 19q; Colorectal cancer, susceptibility to, 10. Identifiers: Orphanet 220460, MedGen C2675481, MONDO:0012953, OMIM 612591.
Hereditary cancer-predisposing syndrome. Also called: Tumor predisposition; Neoplastic Syndromes, Hereditary; Hereditary Cancer Syndrome; Hereditary neoplastic syndrome. Identifiers: Orphanet 140162, MedGen C0027672, MeSH D009386, MONDO:0015356.

Allele frequency attached by ClinVar (database versions not stated): gnomAD exomes below 0.00001.
gnomAD v4.1: 1 of 1,612,516 alleles (0.000062%); highest among the groups gnomAD compares: Non-Finnish European, 0.000085%; no homozygotes.

Submissions (4):

Labcorp Genetics (formerly Invitae), Labcorp
Classification: Uncertain significance for POLD1-related polyposis and colorectal cancer syndrome. Last evaluated: 2025-06-17. Review status: criteria provided, single submitter. Criteria: Invitae Variant Classification Sherloc (09022015). Collection method: clinical testing. Allele origin: germline.
Comment: This sequence change replaces alanine, which is neutral and non-polar, with valine, which is neutral and non-polar, at codon 773 of the POLD1 protein (p.Ala773Val). This variant is not present in population databases (gnomAD no frequency). This variant has not been reported in the literature in individuals affected with POLD1-related conditions. ClinVar contains an entry for this variant (Variation ID: 574414). Invitae Evidence Modeling of protein sequence and biophysical properties (such as structural, functional, and spatial information, amino acid conservation, physicochemical variation, residue mobility, and thermodynamic stability) indicates that this missense variant is not expected to disrupt POLD1 protein function with a negative predictive value of 80%. In summary, the available evidence is currently insufficient to determine the role of this variant in disease. Therefore, it has been classified as a Variant of Uncertain Significance.

Ambry Genetics
Classification: Likely benign for Hereditary cancer-predisposing syndrome. Last evaluated: 2024-03-28. Review status: criteria provided, single submitter. Criteria: Ambry Variant Classification Scheme 2023. Collection method: clinical testing. Allele origin: germline.

GeneDx
Classification: Uncertain significance. Last evaluated: 2019-05-09. Review status: criteria provided, single submitter. Criteria: GeneDx Variant Classification Process June 2021. Collection method: clinical testing. Allele origin: germline. Affected: yes.
Comment: Not observed in large population cohorts (Lek et al., 2016); In silico analysis, which includes protein predictors and evolutionary conservation, supports that this variant does not alter protein structure/function; Has not been previously published as pathogenic or benign to our knowledge

Quest Diagnostics Nichols Institute San Juan Capistrano
Classification: Uncertain significance. Last evaluated: 2018-09-26. Review status: criteria provided, single submitter. Criteria: Quest Diagnostics criteria. Collection method: clinical testing. Allele origin: germline.

NM_002691.4(POLD1):c.2318C>T (p.Ala773Val)

Gene: POLD1 (DNA polymerase delta 1, catalytic subunit; plus strand). Cytogenetic location: 19q13.33.
Variant type: single nucleotide variant.
Coding change: c.2318C>T on transcript NM_002691.4 (MANE Select); coding-DNA position 2318, C replaced by T.
Protein change: p.Ala773Val; replaces alanine 773 with valine.
Molecular consequence: missense variant. On other transcripts: non-coding transcript variant (1).
Genome position (GRCh38, 1-based): chr19:50,413,809, C>T. VCF-style: chr19-50413809-C-T. GRCh37 (hg19) VCF-style: chr19-50917066-C-T.
Other names: c.2318C>T, p.Ala773Val (NM_001256849.1); c.2396C>T, p.Ala799Val (NM_001308632.1); short protein forms A799V, A773V.
Identifiers: ClinVar variation 574414 (VCV000574414.15), dbSNP rs765390600, ClinGen allele CA309604474.